The following is an entry in ClinVar:

NM_003235.5(TG):c.7006C>T (p.Arg2336Ter)

Gene: TG (thyroglobulin; plus strand). Cytogenetic location: 8q24.22.
Variant type: single nucleotide variant.
Coding change: c.7006C>T on transcript NM_003235.5 (MANE Select); coding-DNA position 7006, C replaced by T.
Protein change: p.Arg2336Ter; replaces arginine 2336 with a stop codon.
Molecular consequence: nonsense.
Genome position (GRCh38, 1-based): chr8:133,022,120, C>T. VCF-style: chr8-133022120-C-T. GRCh37 (hg19) VCF-style: chr8-134034365-C-T.
Other names: short protein forms R2336*.
Identifiers: ClinVar variation 2627370 (VCV002627370.8), dbSNP rs144875913, ClinGen allele CA4885098.
Genomic context (GRCh38, chr8:133,022,120, plus strand): 5'-GCTATCGACGGCTCCTTCTTGGCTGCTGTTGGCAACCTCATCGTGGTCACTGCCAGCTAC[C>T]GAGTGGGTGTCTTCGGCTTCCTGAGTTCTGGTGAGTTGCTGCCTCTGGTGGGAGCTGCTG-3'

ClinVar aggregate classification (germline): Pathogenic. Review status: criteria provided, multiple submitters, no conflicts (2 of 4 stars). 4 submissions from 4 submitters: Pathogenic (4). Last evaluated 2026-04-07.

Conditions:
TG-related disorder. Also called: TG-related condition; TG-related disorders.

gnomAD v4.1: 16 of 1,613,994 alleles (0.00099%); highest among the groups gnomAD compares: South Asian, 0.0066%; no homozygotes.

Submissions (4):

PreventionGenetics, part of Exact Sciences
Classification: Pathogenic for TG-related condition. Last evaluated: 2026-04-07. Review status: criteria provided, single submitter. Criteria: ACMG Guidelines, 2015. Collection method: clinical testing. Allele origin: germline.
Comment: The TG c.7006C>T variant is predicted to result in premature protein termination (p.Arg2336*). This variant, also described as p.Arg2317* using legacy nomenclature, has been reported in the compound heterozygous state with a second TG variant in multiple individuals with congenital hypothyroidism (Machiavelli et al. 2010. PubMed ID: 19438905; Liu et al. 2012. PubMed ID: 22784463; Citterio et al. 2013. PubMed ID: 23164529). This variant has also been reported in the homozygous state a consanguineous Pakistani family with autosomal recessive thyroid dyshormonogenesis and intellectual disability (Mittal et al. 2016. PubMed ID: 27305979). This variant is reported in 0.0026% of alleles in individuals of European (Non-Finnish) descent in gnomAD. Nonsense variants in TG are expected to be pathogenic. This variant is interpreted as pathogenic.

Women's Health and Genetics/Laboratory Corporation of America, LabCorp
Classification: Pathogenic for TG-Related Disorders. Last evaluated: 2025-04-22. Review status: criteria provided, single submitter. Criteria: LabCorp Variant Classification Summary - May 2015. Collection method: clinical testing. Allele origin: germline.
Comment: Variant summary: TG c.7006C>T (p.Arg2336X) results in a premature termination codon, predicted to cause a truncation of the encoded protein or absence of the protein due to nonsense mediated decay, which are commonly known mechanisms for disease. The variant allele was found at a frequency of 1.6e-05 in 251482 control chromosomes. c.7006C>T has been reported in the literature as a biallelic genotype in multiple individuals affected with TG-Related Disorders. These data indicate that the variant is very likely to be associated with disease. To our knowledge, no experimental evidence demonstrating an impact on protein function has been reported. The following publications have been ascertained in the context of this evaluation (PMID: 22784463, 19438905, 27305979). ClinVar contains an entry for this variant (Variation ID: 2627370). Based on the evidence outlined above, the variant was classified as pathogenic.

GeneDx
Classification: Pathogenic. Last evaluated: 2023-10-30. Review status: criteria provided, single submitter. Criteria: GeneDx Variant Classification Process June 2021. Collection method: clinical testing. Allele origin: germline. Affected: yes.
Comment: Nonsense variant predicted to result in protein truncation or nonsense mediated decay in a gene for which loss of function is a known mechanism of disease; Not observed at significant frequency in large population cohorts (gnomAD); Also known as p.(R2317*); This variant is associated with the following publications: (PMID: 25525159, 19633549, 22784463, 27305979, 28397838, 34200080, 35177841, 35982159, 35982160, 23164529, 19438905, 20972728)

Labcorp Genetics (formerly Invitae), Labcorp
Classification: Pathogenic. Last evaluated: 2023-10-07. Review status: criteria provided, single submitter. Criteria: Invitae Variant Classification Sherloc (09022015). Collection method: clinical testing. Allele origin: germline.
Comment: This sequence change creates a premature translational stop signal (p.Arg2336*) in the TG gene. It is expected to result in an absent or disrupted protein product. Loss-of-function variants in TG are known to be pathogenic (PMID: 19837936, 23164529). This variant is present in population databases (rs144875913, gnomAD 0.003%). This premature translational stop signal has been observed in individual(s) with hypothyroidism (PMID: 22784463). For these reasons, this variant has been classified as Pathogenic.

Literature cited by the submitters: PubMed 19438905 (cited by Women's Health and Genetics/Laboratory Corporation of America, LabCorp); PubMed 22784463 (cited by Women's Health and Genetics/Laboratory Corporation of America, LabCorp and Labcorp Genetics (formerly Invitae), Labcorp); PubMed 27305979 (cited by Women's Health and Genetics/Laboratory Corporation of America, LabCorp); PubMed 19837936 (cited by Labcorp Genetics (formerly Invitae), Labcorp); PubMed 23164529 (cited by Labcorp Genetics (formerly Invitae), Labcorp).